The following is an entry in ClinVar:

NM_001972.4(ELANE):c.67+1del

Gene: ELANE (elastase, neutrophil expressed; plus strand). Cytogenetic location: 19p13.3.
Variant type: Deletion.
Coding change: c.67+1del on transcript NM_001972.4 (MANE Select); the canonical splice donor site of the intron after coding-DNA position 67, one base deleted (G; older notation c.67+1delG).
Molecular consequence: splice donor variant.
Genome position (GRCh38, 1-based): chr19:852,396, G deleted; the last of 6 consecutive G bases (chr19:852,391-852,396); deleting any one gives the same sequence. VCF-style (leftmost placement, unchanged base first): chr19-852390-TG-T. GRCh37 (hg19) VCF-style: chr19-852390-TG-T.
Other names: c.67+1delG (NM_001972.2).
Identifiers: ClinVar variation 265117 (VCV000265117.2), dbSNP rs886039350, ClinGen allele CA10588690.

ClinVar aggregate classification (germline): Uncertain significance (1 of 4 stars; one submission).

Submission:

GeneDx
Classification: Uncertain significance. Last evaluated: 2014-10-29. Review status: criteria provided, single submitter. Criteria: GeneDx Variant Classification (06012015). Collection method: clinical testing. Allele origin: germline. Affected: yes.
Comment: The c.67+1delG splice site variant in the ELA2 gene was not observed in approximately 6,500 individuals of European and African American ancestry in the NHLBI Exome Sequencing Project, indicating it is not a common benign variant in these populations. This variant destroys the canonical splice donor site in intron 1 and is predicted to cause abnormal gene splicing, either leading to an abnormal message that is subject to nonsense-mediated mRNA decay, or to an abnormal protein product if the message is used for protein translation. However, in the absence of RNA/functional studies, the actual effect of the variant is unknown. No known mutations in exon 1 of the ELA2 gene have been published in association with an ELA2-related disorder. Therefore, based on the currently available information, it is unclear whether this variant is a pathogenic mutation or a rare benign variant.